The following is an entry in ClinVar:

ClinVar aggregate classification (germline): Uncertain significance. Review status: criteria provided, multiple submitters, no conflicts (2 of 4 stars). 2 submissions from 2 submitters: Uncertain significance (2). Last evaluated 2025-09-10.

Allele frequency attached by ClinVar (database versions not stated): gnomAD exomes below 0.00001; TOPMed below 0.00001.
gnomAD v4.1: 3 of 1,612,264 alleles (0.00019%); highest among the groups gnomAD compares: Admixed American, 0.0033%; no homozygotes.

Submissions (2):

Labcorp Genetics (formerly Invitae), Labcorp
Classification: Uncertain significance. Last evaluated: 2025-09-10. Review status: criteria provided, single submitter. Criteria: Invitae Variant Classification Sherloc (09022015). Collection method: clinical testing. Allele origin: germline.
Comment: This sequence change creates a premature translational stop signal (p.Trp519*) in the RECQL gene. It is expected to result in an absent or disrupted protein product. However, the current clinical and genetic evidence is not sufficient to establish whether loss-of-function variants in RECQL cause disease. This variant is present in population databases (no rsID available, gnomAD 0.0009%). This variant has not been reported in the literature in individuals affected with RECQL-related conditions. ClinVar contains an entry for this variant (Variation ID: 1775161). Experimental studies and prediction algorithms are not available or were not evaluated, and the functional significance of this variant is currently unknown. In summary, the available evidence is currently insufficient to determine the role of this variant in disease. Therefore, it has been classified as a Variant of Uncertain Significance.

Ambry Genetics
Classification: Uncertain significance. Last evaluated: 2024-09-26. Review status: criteria provided, single submitter. Criteria: Ambry Variant Classification Scheme 2023. Collection method: clinical testing. Allele origin: germline.
Comment: The p.W519* variant (also known as c.1556G>A), located in coding exon 12 of the RECQL gene, results from a G to A substitution at nucleotide position 1556. This changes the amino acid from a tryptophan to a stop codon within coding exon 12. This alteration is expected to result in loss of function by premature protein truncation or nonsense-mediated mRNA decay. The evidence for this gene-disease relationship is limited; therefore, the clinical significance of this alteration is unclear.

NM_002907.4(RECQL):c.1556G>A (p.Trp519Ter)

Gene: RECQL (RecQ like helicase; minus strand). Cytogenetic location: 12p12.1.
Variant type: single nucleotide variant.
Coding change: c.1556G>A on transcript NM_002907.4 (MANE Select); coding-DNA position 1556, G replaced by A.
Protein change: p.Trp519Ter; replaces tryptophan 519 with a stop codon.
Molecular consequence: nonsense.
Genome position (GRCh38, 1-based): chr12:21,471,539, C>T on the plus strand (G>A on the coding strand, the complement: RECQL is on the minus strand). VCF-style: chr12-21471539-C-T. GRCh37 (hg19) VCF-style: chr12-21624473-C-T.
Other names: c.1556G>A, p.Trp519Ter (NM_032941.3); short protein forms W519*.
Identifiers: ClinVar variation 1775161 (VCV001775161.8), dbSNP rs1233311077, ClinGen allele CA384116160.